The following is an entry in ClinVar:

ClinVar aggregate classification (germline): Likely benign. Review status: criteria provided, multiple submitters, no conflicts (2 of 4 stars). 4 submissions from 4 submitters: Likely benign (4). Last evaluated 2026-04-20.

Conditions:
Hereditary cancer-predisposing syndrome. Also called: Hereditary neoplastic syndrome; Neoplastic Syndromes, Hereditary; Tumor predisposition; Hereditary Cancer Syndrome. Identifiers: Orphanet 140162, MedGen C0027672, MeSH D009386, MONDO:0015356.
Multiple endocrine neoplasia, type 2 (MEN2). Identifiers: Orphanet 653, MedGen C4048306, MONDO:0019003. Disease mechanism: gain of function.
Multiple endocrine neoplasia type 2A. Also called: MULTIPLE ENDOCRINE NEOPLASIA, TYPE IIA; PTC SYNDROME; SIPPLE SYNDROME; MEN 2A; MEN-2A syndrome; Pheochromocytoma and amyloid producing medullary thyroid carcinoma. Identifiers: Orphanet 247698, Orphanet 653, MedGen C0025268, MeSH D018813, MONDO:0008234, OMIM 171400.

Allele frequency attached by ClinVar (database versions not stated): gnomAD exomes 0.00001.
gnomAD v4.1: 3 of 1,609,068 alleles (0.00019%); highest among the groups gnomAD compares: East Asian, 0.0067%; no homozygotes.

Submissions (4):

Ambry Genetics
Classification: Likely benign for Hereditary cancer-predisposing syndrome. Last evaluated: 2026-04-20. Review status: criteria provided, single submitter. Criteria: Ambry Variant Classification Scheme 2023. Collection method: clinical testing. Allele origin: germline.

Labcorp Genetics (formerly Invitae), Labcorp
Classification: Likely benign for Multiple endocrine neoplasia, type 2. Last evaluated: 2025-07-21. Review status: criteria provided, single submitter. Criteria: Invitae Variant Classification Sherloc (09022015). Collection method: clinical testing. Allele origin: germline.

Color Diagnostics, LLC DBA Color Health
Classification: Likely benign for Multiple endocrine neoplasia, type 2. Last evaluated: 2025-07-14. Review status: criteria provided, single submitter. Criteria: ACMG Guidelines, 2015. Collection method: clinical testing. Allele origin: germline.

Myriad Genetics, Inc.
Classification: Likely benign for Multiple endocrine neoplasia type 2A. Last evaluated: 2025-02-25. Review status: criteria provided, single submitter. Criteria: Myriad Autosomal Dominant, Autosomal Recessive and X-Linked Classification Criteria (2023). Collection method: clinical testing. Allele origin: unknown.
Comment: This variant is considered likely benign. This variant is intronic and is not expected to impact mRNA splicing.

NM_020975.6(RET):c.868-4G>A

Gene: RET (ret proto-oncogene; plus strand). Cytogenetic location: 10q11.21.
Variant type: single nucleotide variant.
Coding change: c.868-4G>A on transcript NM_020975.6 (MANE Select); 4 bases into the intron before coding-DNA position 868, G replaced by A.
Molecular consequence: intron variant.
Genome position (GRCh38, 1-based): chr10:43,106,372, G>A. VCF-style: chr10-43106372-G-A. GRCh37 (hg19) VCF-style: chr10-43601820-G-A.
Other names: c.868-4G>A (NM_020975.4, NM_020630.7, NM_001406743.1 and 5 more transcripts); c.867+1179G>A (NM_001406772.1, NM_001406769.1); c.626-2659G>A (NM_001406773.1, NM_001406771.1); c.625+3743G>A (NM_001406782.1, NM_001406780.1, NM_001406779.1 and 3 more transcripts); c.739-4G>A (NM_001406764.1, NM_001406762.1, NM_001406761.1 and 1 more transcripts); c.738+1179G>A (NM_001406774.1); c.496+3743G>A (NM_001406786.1, NM_001406783.1); c.580-4G>A (NM_001406770.1, NM_001406766.1, NM_001406767.1); and 5 more.
Identifiers: ClinVar variation 1121495 (VCV001121495.12), dbSNP rs1414580503, ClinGen allele CA593290046.
Genomic context (GRCh38, chr10:43,106,372, plus strand): 5'-TGGTTTTGGGGGGTCTGAGGGGCCCATCTCGCCTGCACTGACCAACGCCCTCTGCATCCT[G>A]CAGGACACCGTGGTGGCCACGCTGCGTGTCTTCGATGCAGACGTGGTACCTGCATCAGGG-3'